The following is an entry in ClinVar:

NM_000350.3(ABCA4):c.6340G>A (p.Val2114Met)

Gene: ABCA4 (ATP binding cassette subfamily A member 4; minus strand). Cytogenetic location: 1p22.1.
Variant type: single nucleotide variant.
Coding change: c.6340G>A on transcript NM_000350.3 (MANE Select); coding-DNA position 6340, G replaced by A.
Protein change: p.Val2114Met; replaces valine 2114 with methionine.
Molecular consequence: missense variant.
Genome position (GRCh38, 1-based): chr1:94,001,048, C>T on the plus strand (G>A on the coding strand, the complement: ABCA4 is on the minus strand). VCF-style: chr1-94001048-C-T. GRCh37 (hg19) VCF-style: chr1-94466604-C-T.
Other names: NM_000350.3(ABCA4):c.6340G>A; p.Val2114Met; c.6118G>A, p.Val2040Met (NM_001425324.1); short protein forms V2114M, V2040M.
Identifiers: ClinVar variation 298223 (VCV000298223.32), dbSNP rs202127235, ClinGen allele CA956899.
Genomic context (GRCh38, chr1:94,001,048, plus strand): 5'-TGGGAATCTCTTGCCTGTGGGATGTGAGGACCACAGCCCTCCCTTCTCTGATGATGCTCA[C>T]GATGACGTTCCACAGCATGCGGCGTGCCTGGGGGTCCATCCCTGTGGTGGGCTCATCCTG-3'
Protein context (NP_000341.2, residues 2104-2124): QARRMLWNVI[Val2114Met]SIIREGRAVV

ClinVar aggregate classification (germline): Likely benign. Review status: reviewed by expert panel (3 of 4 stars). 7 submissions from 7 submitters: Likely benign (1). 6 of the submissions do not count toward it. Last evaluated 2025-11-25.

Conditions:
ABCA4-related disorder. Also called: ABCA4-related condition; ABCA4-related disorders. Identifiers: MedGen CN239167.
ABCA4-related retinopathy. Also called: ABCA4 retinoapthy; ABCA4-related retinoapthy. Identifiers: MedGen CN322612, MONDO:0800406.
Retinal dystrophy. Also called: Inherited retinal dystrophy. Identifiers: Orphanet 71862, MedGen C0854723, MeSH D058499, MONDO:0019118, HP:0000556.

Allele frequency attached by ClinVar (database versions not stated): gnomAD 0.00009 and 0.00010; gnomAD exomes 0.00011 and 0.00017; 1000 Genomes Project 30x 0.00016; ExAC 0.00016; TOPMed 0.00018; 1000 Genomes Project 0.00020.
gnomAD v4.1: 187 of 1,614,172 alleles (0.012%); highest among the groups gnomAD compares: East Asian, 0.016%; no homozygotes.

Submissions (7):

ClinGen ABCA4 Variant Curation Expert Panel, Clingen
Classification: Likely benign for ABCA4-related retinopathy. Last evaluated: 2025-11-25. Review status: reviewed by expert panel. Criteria: ClinGen ABCA4 ACMG Specifications V1.0.0. Collection method: curation. Allele origin: germline.
Comment: The c.6340G>A (NM_000350.3) variant in ABCA4 is a missense variant predicted to cause substitution of valine by methionine at amino acid 2114 (p.Val2114Met). The total minor allele frequency in gnomAD v4.1.0 is 0.0001158 (187/1614172 alleles), and the GroupMax filtering allele frequency is 0.00007260. This is higher than the ClinGen ABCA4 VCEP’s threshold for PM2_Supporting (<0.0001), and lower than the threshold for BS1_Supporting (>0.00163). Therefore, none of the population data codes are met. The computational predictor REVEL gives a score of 0.261 which is in the range of 0.184-0.290, evidence that does not predict a damaging effect on ABCA4 function (BP4). In summary, this variant meets the criteria to be classified as uncertain for ABCA4-related retinopathy based on the ACMG/AMP criteria applied, as specified by the ClinGen ABCA4 VCEP Specification Version 1.0.0: BP4.

Labcorp Genetics (formerly Invitae), Labcorp
Classification: Likely benign. Last evaluated: 2026-01-11. Review status: criteria provided, single submitter. Criteria: Invitae Variant Classification Sherloc (09022015). Collection method: clinical testing. Allele origin: germline. Not counted in ClinVar's aggregate classification.

CeGaT Center for Human Genetics Tuebingen
Classification: Uncertain significance. Last evaluated: 2024-10-01. Review status: criteria provided, single submitter. Criteria: CeGaT Center For Human Genetics Tuebingen Variant Classification Criteria Version 2. Collection method: clinical testing. Allele origin: germline. Affected: yes. Observed: 1 variant allele. Not counted in ClinVar's aggregate classification.
Comment: ABCA4: PM2

Blueprint Genetics
Classification: Likely benign. Last evaluated: 2024-06-11. Review status: criteria provided, single submitter. Criteria: ACMG Guidelines, 2015. Collection method: clinical testing. Allele origin: germline. Not counted in ClinVar's aggregate classification.

Dept Of Ophthalmology, Nagoya University
Classification: Uncertain significance for Retinal dystrophy. Last evaluated: 2023-10-01. Review status: criteria provided, single submitter. Criteria: Submitter's publication. Collection method: research. Allele origin: germline. Affected: yes. Not counted in ClinVar's aggregate classification.

Illumina Laboratory Services, Illumina
Classification: Uncertain significance for ABCA4-Related Disorders. Last evaluated: 2018-01-13. Review status: criteria provided, single submitter. Criteria: ICSL Variant Classification Criteria 13 December 2019. Collection method: clinical testing. Allele origin: germline. Not counted in ClinVar's aggregate classification.

PreventionGenetics, part of Exact Sciences
Classification: Likely benign for ABCA4-related condition. Last evaluated: 2024-09-16. Review status: no assertion criteria provided. Collection method: clinical testing. Allele origin: germline. Not counted in ClinVar's aggregate classification.
Comment: This variant is classified as likely benign based on ACMG/AMP sequence variant interpretation guidelines (Richards et al. 2015 PMID: 25741868, with internal and published modifications).